The following is an entry in ClinVar:

ClinVar aggregate classification (germline): Conflicting classifications of pathogenicity. Review status: criteria provided, conflicting classifications (1 of 4 stars). 5 submissions from 5 submitters: Uncertain significance (3); Likely benign (1). 1 of the submissions does not count toward it. Last evaluated 2024-04-30.

Conditions:
Hereditary breast ovarian cancer syndrome. Also called: Hereditary breast and ovarian cancer syndrome; Hereditary breast and ovarian cancer; Hereditary breast and ovarian cancer syndrome (HBOC); Breast and ovarian cancer; Hereditary breast and/or ovarian cancer syndrome; BRCA1- and BRCA2-Associated Hereditary Breast and Ovarian Cancer. Identifiers: Orphanet 145, MedGen C0677776, MeSH D061325, MONDO:0003582. Disease mechanism: loss of function.
Breast-ovarian cancer, familial, susceptibility to, 2 (BROVCA2). Also called: BRCA2 Hereditary Breast and Ovarian Cancer. Identifiers: Orphanet 145, MedGen C2675520, MONDO:0012933, OMIM 612555. Disease mechanism: loss of function.
Hereditary cancer-predisposing syndrome. Also called: Neoplastic Syndromes, Hereditary; Tumor predisposition; Hereditary Cancer Syndrome; Hereditary neoplastic syndrome. Identifiers: Orphanet 140162, MedGen C0027672, MeSH D009386, MONDO:0015356.

Submissions (5):

Labcorp Genetics (formerly Invitae), Labcorp
Classification: Uncertain significance for Hereditary breast ovarian cancer syndrome. Last evaluated: 2024-04-30. Review status: criteria provided, single submitter. Criteria: Invitae Variant Classification Sherloc (09022015). Collection method: clinical testing. Allele origin: germline.
Comment: This sequence change replaces isoleucine, which is neutral and non-polar, with arginine, which is basic and polar, at codon 488 of the BRCA2 protein (p.Ile488Arg). This variant is not present in population databases (gnomAD no frequency). This variant has not been reported in the literature in individuals affected with BRCA2-related conditions. ClinVar contains an entry for this variant (Variation ID: 51130). Advanced modeling of protein sequence and biophysical properties (such as structural, functional, and spatial information, amino acid conservation, physicochemical variation, residue mobility, and thermodynamic stability) performed at Invitae indicates that this missense variant is not expected to disrupt BRCA2 protein function with a negative predictive value of 95%. Experimental studies have shown that this missense change affects BRCA2 function (PMID: 22771033). In summary, the available evidence is currently insufficient to determine the role of this variant in disease. Therefore, it has been classified as a Variant of Uncertain Significance.

Ambry Genetics
Classification: Uncertain significance for Hereditary cancer-predisposing syndrome. Last evaluated: 2023-06-01. Review status: criteria provided, single submitter. Criteria: Ambry Variant Classification Scheme 2023. Collection method: clinical testing. Allele origin: germline.
Comment: The p.I488R variant (also known as c.1463T>G), located in coding exon 9 of the BRCA2 gene, results from a T to G substitution at nucleotide position 1463. The isoleucine at codon 488 is replaced by arginine, an amino acid with similar properties. This amino acid substitution impairs functions that are important for regulating midbody structure (Mondal G et al. Dev. Cell. 2012 Jul;23:137-52). This amino acid position is poorly conserved in available vertebrate species. In addition, this alteration is predicted to be tolerated by in silico analysis. Since supporting evidence is limited at this time, the clinical significance of this alteration remains unclear.

University of Washington Department of Laboratory Medicine, University of Washington
Classification: Likely benign for Hereditary cancer-predisposing syndrome. Last evaluated: 2023-03-23. Review status: criteria provided, single submitter. Criteria: Dines et al. (Genet Med. 2020). Collection method: curation. Allele origin: germline.
Comment: Missense variant in a coldspot region where missense variants are very unlikely to be pathogenic (PMID:31911673).

BRCA2 exon 10 coldspot. Reclassification based on statistical prior probability.

Sema4
Classification: Uncertain significance for Hereditary cancer-predisposing syndrome. Last evaluated: 2021-06-03. Review status: criteria provided, single submitter. Criteria: Sema4 Curation Guidelines. Collection method: curation. Allele origin: germline.
Comment: To the best of our knowledge the BRCA2 c.1463T>G (p.I488R) variant has not been reported in individuals with BRCA2-related disease. One study suggests this variant impairs the interaction between BRCA2 and Tsg1010 at the midbody during cytokinesis, increases multinucleation, and delays cytokinetic bridge resolution, causing disuption to cytokinesis (PMID: 22771033). It was not observed in the large and broad cohorts of the Genome Aggregation Database (PMID: 32461654). The variant has been reported in ClinVar (Variation ID 51130). In silico tools suggest the impact of the variant on protein function is inconclusive, though these predictions have not been confirmed by functional studies. The evidence is insufficient to meet ACMG/AMP criteria for classifying the variant as benign or pathogenic. Thus, the clinical significance of this variant is currently uncertain.

Breast Cancer Information Core (BIC) (BRCA2)
Classification: Uncertain significance for Breast-ovarian cancer, familial 2. Last evaluated: 2003-12-23. Review status: no assertion criteria provided. Collection method: clinical testing. Allele origin: germline. Affected: yes. Observed: 1 variant allele. Not counted in ClinVar's aggregate classification.

Literature cited by the submitters: PubMed 22771033 (cited by 3 submitters).

NM_000059.4(BRCA2):c.1463T>G (p.Ile488Arg)

Gene: BRCA2 (BRCA2 DNA repair associated; plus strand). Cytogenetic location: 13q13.1.
Variant type: single nucleotide variant.
Coding change: c.1463T>G on transcript NM_000059.4 (MANE Select); coding-DNA position 1463, T replaced by G.
Protein change: p.Ile488Arg; replaces isoleucine 488 with arginine.
Molecular consequence: missense variant.
Genome position (GRCh38, 1-based): chr13:32,332,941, T>G. VCF-style: chr13-32332941-T-G. GRCh37 (hg19) VCF-style: chr13-32907078-T-G.
Other names: short protein forms I488R.
Identifiers: ClinVar variation 51130 (VCV000051130.15), dbSNP rs80358436, ClinGen allele CA012142.
Genomic context (GRCh38, chr13:32,332,941, plus strand): 5'-GAGATGAAGAGCAGCATCTTGAATCTCATACAGACTGCATTCTTGCAGTAAAGCAGGCAA[T>G]ATCTGGAACTTCTCCAGTGGCTTCTTCATTTCAGGGTATCAAAAAGTCTATATTCAGAAT-3'
Protein context (NP_000050.3, residues 478-498): TDCILAVKQA[Ile488Arg]SGTSPVASSF